The following is an entry in ClinVar:

NM_000548.5(TSC2):c.695C>G (p.Pro232Arg)

Gene: TSC2 (TSC complex subunit 2; plus strand). Cytogenetic location: 16p13.3.
Variant type: single nucleotide variant.
Coding change: c.695C>G on transcript NM_000548.5 (MANE Select); coding-DNA position 695, C replaced by G.
Protein change: p.Pro232Arg; replaces proline 232 with arginine.
Molecular consequence: missense variant.
Genome position (GRCh38, 1-based): chr16:2,056,690, C>G. VCF-style: chr16-2056690-C-G. GRCh37 (hg19) VCF-style: chr16-2106691-C-G.
Other names: c.695C>G, p.Pro232Arg (NM_001077183.3, NM_001114382.3, NM_001363528.2 and 6 more transcripts); c.584C>G, p.Pro195Arg (NM_001318827.2, NM_001406670.1, NM_001406678.1); c.548C>G, p.Pro183Arg (NM_001318829.2, NM_001406675.1, NM_001406676.1 and 1 more transcripts); c.95C>G, p.Pro32Arg (NM_001318831.2, NM_001406680.1, NM_001406682.1 and 6 more transcripts); c.728C>G, p.Pro243Arg (NM_001318832.2); c.785C>G, p.Pro262Arg (NM_001406667.1, NM_001406668.1); c.683C>G, p.Pro228Arg (NM_001406671.1, NM_001406673.1); c.638C>G, p.Pro213Arg (NM_001406677.1); and 4 more; short protein forms P232R, P262R, P78R, P213R, P32R, P183R, P195R, P228R.
Identifiers: ClinVar variation 1756316 (VCV001756316.6), dbSNP rs760100924, ClinGen allele CA394312624.

ClinVar aggregate classification (germline): Uncertain significance. Review status: criteria provided, multiple submitters, no conflicts (2 of 4 stars). 2 submissions from 2 submitters: Uncertain significance (2). Last evaluated 2026-07-14.

Conditions:
Hereditary cancer-predisposing syndrome. Also called: Hereditary Cancer Syndrome; Hereditary neoplastic syndrome; Neoplastic Syndromes, Hereditary; Tumor predisposition. Identifiers: Orphanet 140162, MedGen C0027672, MeSH D009386, MONDO:0015356.
Tuberous sclerosis 2 (TSC2). Identifiers: Orphanet 805, MedGen C1860707, MONDO:0013199, OMIM 613254.

Submissions (2):

Ambry Genetics
Classification: Uncertain significance for Hereditary cancer-predisposing syndrome. Last evaluated: 2026-07-14. Review status: criteria provided, single submitter. Criteria: Ambry Variant Classification Scheme 2023. Collection method: clinical testing. Allele origin: germline.
Comment: The p.P232R variant (also known as c.695C>G), located in coding exon 7 of the TSC2 gene, results from a C to G substitution at nucleotide position 695. The proline at codon 232 is replaced by arginine, an amino acid with dissimilar properties. This amino acid position is highly conserved in available vertebrate species. In addition, this alteration is predicted to be deleterious by in silico analysis. Based on the available evidence, the clinical significance of this variant remains unclear.

Labcorp Genetics (formerly Invitae), Labcorp
Classification: Uncertain significance for Tuberous sclerosis 2. Last evaluated: 2023-07-27. Review status: criteria provided, single submitter. Criteria: Invitae Variant Classification Sherloc (09022015). Collection method: clinical testing. Allele origin: germline.
Comment: This sequence change replaces proline, which is neutral and non-polar, with arginine, which is basic and polar, at codon 232 of the TSC2 protein (p.Pro232Arg). This variant is not present in population databases (gnomAD no frequency). This variant has not been reported in the literature in individuals affected with TSC2-related conditions. ClinVar contains an entry for this variant (Variation ID: 1756316). Advanced modeling of protein sequence and biophysical properties (such as structural, functional, and spatial information, amino acid conservation, physicochemical variation, residue mobility, and thermodynamic stability) has been performed at Invitae for this missense variant, however the output from this modeling did not meet the statistical confidence thresholds required to predict the impact of this variant on TSC2 protein function. In summary, the available evidence is currently insufficient to determine the role of this variant in disease. Therefore, it has been classified as a Variant of Uncertain Significance.